The following is an entry in ClinVar:

NM_000059.4(BRCA2):c.6625_6626delinsGA (p.Ile2209Glu)

Gene: BRCA2 (BRCA2 DNA repair associated; plus strand). Cytogenetic location: 13q13.1.
Variant type: Indel.
Coding change: c.6625_6626delinsGA on transcript NM_000059.4 (MANE Select); coding-DNA positions 6625 to 6626, AT replaced by GA.
Protein change: p.Ile2209Glu; replaces isoleucine 2209 with glutamic acid.
Molecular consequence: missense variant.
Genome position (GRCh38, 1-based): chr13:32,340,980-32,340,981, AT replaced by GA. VCF-style: chr13-32340980-AT-GA. GRCh37 (hg19) VCF-style: chr13-32915117-AT-GA.
Other names: short protein forms I2209E.
Identifiers: ClinVar variation 923820 (VCV000923820.14), dbSNP rs2072560950, ClinGen allele CA913188572.

ClinVar aggregate classification (germline): Conflicting classifications of pathogenicity. Review status: criteria provided, conflicting classifications (1 of 4 stars). 3 submissions from 3 submitters: Uncertain significance (2); Likely benign (1). Last evaluated 2023-12-05.

Conditions:
Hereditary breast ovarian cancer syndrome. Also called: BRCA1- and BRCA2-Associated Hereditary Breast and Ovarian Cancer; Hereditary breast and ovarian cancer syndrome; Hereditary breast and ovarian cancer; Hereditary breast and ovarian cancer syndrome (HBOC); Breast and ovarian cancer; Hereditary breast and/or ovarian cancer syndrome. Identifiers: Orphanet 145, MedGen C0677776, MeSH D061325, MONDO:0003582. Disease mechanism: loss of function.
Hereditary cancer-predisposing syndrome. Also called: Neoplastic Syndromes, Hereditary; Tumor predisposition; Hereditary Cancer Syndrome; Hereditary neoplastic syndrome. Identifiers: Orphanet 140162, MedGen C0027672, MeSH D009386, MONDO:0015356.

Submissions (3):

Color Diagnostics, LLC DBA Color Health
Classification: Uncertain significance for Hereditary cancer-predisposing syndrome. Last evaluated: 2023-12-05. Review status: criteria provided, single submitter. Criteria: ACMG Guidelines, 2015. Collection method: clinical testing. Allele origin: germline.
Comment: This variant replaces isoleucine with glutamic acid at codon 2209 of the BRCA2 protein. Computational prediction suggests that this variant may not impact protein structure and function. Splice site prediction tools suggest that this variant may not impact RNA splicing. To our knowledge, functional studies have not been performed for this variant. This variant has not been reported in individuals affected with hereditary cancer in the literature. This variant has not been identified in the general population by the Genome Aggregation Database (gnomAD). The available evidence is insufficient to determine the role of this variant in disease conclusively. Therefore, this variant is classified as a Variant of Uncertain Significance.

University of Washington Department of Laboratory Medicine, University of Washington
Classification: Likely benign for Hereditary cancer-predisposing syndrome. Last evaluated: 2023-03-23. Review status: criteria provided, single submitter. Criteria: Dines et al. (Genet Med. 2020). Collection method: curation. Allele origin: germline.
Comment: Missense variant in a coldspot region where missense variants are very unlikely to be pathogenic (PMID:31911673).

BRCA2 exon 11 coldspot. Reclassification based on statistical prior probability.

Labcorp Genetics (formerly Invitae), Labcorp
Classification: Uncertain significance for Hereditary breast ovarian cancer syndrome. Last evaluated: 2022-11-01. Review status: criteria provided, single submitter. Criteria: Invitae Variant Classification Sherloc (09022015). Collection method: clinical testing. Allele origin: germline.
Comment: In summary, the available evidence is currently insufficient to determine the role of this variant in disease. Therefore, it has been classified as a Variant of Uncertain Significance. Information on the frequency of this variant in the gnomAD database is not available, as this variant may be reported differently in the database. This missense change has been observed in individual(s) with breast cancer and/or pancreatic cancer (Invitae). It has also been observed to segregate with disease in related individuals. ClinVar contains an entry for this variant (Variation ID: 923820). Algorithms developed to predict the effect of missense changes on protein structure and function are either unavailable or do not agree on the potential impact of this missense change (SIFT: "Not Available"; PolyPhen-2: "Benign"; Align-GVGD: "Not Available"). This sequence change replaces isoleucine, which is neutral and non-polar, with glutamic acid, which is acidic and polar, at codon 2209 of the BRCA2 protein (p.Ile2209Glu).